The following is an entry in ClinVar:

NM_000179.3(MSH6):c.1926T>C (p.Tyr642=)

Gene: MSH6 (mutS homolog 6; plus strand). Cytogenetic location: 2p16.3.
Variant type: single nucleotide variant.
Coding change: c.1926T>C on transcript NM_000179.3 (MANE Select); coding-DNA position 1926, T replaced by C.
Protein change: p.Tyr642=; no amino-acid change (tyrosine 642 retained).
Molecular consequence: synonymous variant. On other transcripts: non-coding transcript variant (5), intron variant (2).
Genome position (GRCh38, 1-based): chr2:47,799,909, T>C. VCF-style: chr2-47799909-T-C. GRCh37 (hg19) VCF-style: chr2-48027048-T-C.
Other names: c.1536T>C, p.Tyr512= (NM_001281492.2); c.1020T>C, p.Tyr340= (NM_001281493.2, NM_001281494.2, NM_001406811.1 and 6 more transcripts); c.2022T>C, p.Tyr674= (NM_001406795.1, NM_001406802.1); c.1926T>C, p.Tyr642= (NM_001406796.1, NM_001406798.1, NM_001406800.1 and 3 more transcripts); c.1629T>C, p.Tyr543= (NM_001406797.1, NM_001406801.1, NM_001406805.1 and 10 more transcripts); c.1401T>C, p.Tyr467= (NM_001406799.1, NM_001406806.1, NM_001406807.1); c.1848T>C, p.Tyr616= (NM_001406804.1); c.1932T>C, p.Tyr644= (NM_001406813.1); and 3 more.
Identifiers: ClinVar variation 3398873 (VCV003398873.2).
Genomic context (GRCh38, chr2:47,799,909, plus strand): 5'-ACCCGGCTCCCAGTTTTGGGATGCATCCAAAACTTTGAGAACTCTCCTTGAGGAAGAATA[T>C]TTTAGGGAAAAGCTAAGTGATGGCATTGGGGTGATGTTACCCCAGGTGCTTAAAGGTATG-3'
Protein context (NP_000170.1, residues 632-652): KTLRTLLEEE[Tyr642=]FREKLSDGIG

ClinVar aggregate classification (germline): Benign/Likely benign. Review status: criteria provided, multiple submitters, no conflicts (2 of 4 stars). 2 submissions from 2 submitters: Benign (1); Likely benign (1). Last evaluated 2024-12-30.

Conditions:
Hereditary cancer-predisposing syndrome. Also called: Hereditary Cancer Syndrome; Tumor predisposition; Hereditary neoplastic syndrome; Neoplastic Syndromes, Hereditary. Identifiers: Orphanet 140162, MedGen C0027672, MeSH D009386, MONDO:0015356.
Lynch syndrome 5 (LYNCH5). Also called: Hereditary non-polyposis colorectal cancer, type 5; Colorectal cancer, hereditary nonpolyposis, type 5. Identifiers: Orphanet 144, MedGen C1833477, MONDO:0013710, OMIM 614350. Disease mechanism: loss of function.

Submissions (2):

Myriad Genetics, Inc.
Classification: Benign for Lynch syndrome 5. Last evaluated: 2024-12-30. Review status: criteria provided, single submitter. Criteria: Myriad Autosomal Dominant, Autosomal Recessive and X-Linked Classification Criteria (2023). Collection method: clinical testing. Allele origin: unknown.
Comment: This variant is considered benign. This variant is a silent/synonymous amino acid change and it is not expected to impact splicing.

Ambry Genetics
Classification: Likely benign for Hereditary cancer-predisposing syndrome. Last evaluated: 2024-07-05. Review status: criteria provided, single submitter. Criteria: Ambry Variant Classification Scheme 2023. Collection method: clinical testing. Allele origin: germline.